The following is an entry in ClinVar:

NM_001042492.3(NF1):c.8024C>T (p.Pro2675Leu)

Gene: NF1 (neurofibromin 1; plus strand). Cytogenetic location: 17q11.2.
Variant type: single nucleotide variant.
Coding change: c.8024C>T on transcript NM_001042492.3 (MANE Select); coding-DNA position 8024, C replaced by T.
Protein change: p.Pro2675Leu; replaces proline 2675 with leucine.
Molecular consequence: missense variant.
Genome position (GRCh38, 1-based): chr17:31,358,533, C>T. VCF-style: chr17-31358533-C-T. GRCh37 (hg19) VCF-style: chr17-29685551-C-T.
Other names: c.7961C>T, p.Pro2654Leu (NM_000267.4); short protein forms P2654L, P2675L.
Identifiers: ClinVar variation 1692355 (VCV001692355.1), dbSNP rs1260740048, ClinGen allele CA399203702.

ClinVar aggregate classification (germline): Uncertain significance (1 of 4 stars; one submission).

Conditions:
Hereditary cancer-predisposing syndrome. Also called: Hereditary Cancer Syndrome; Hereditary neoplastic syndrome; Neoplastic Syndromes, Hereditary; Tumor predisposition. Identifiers: Orphanet 140162, MedGen C0027672, MeSH D009386, MONDO:0015356.

Allele frequency attached by ClinVar (database versions not stated): gnomAD exomes below 0.00001.
gnomAD v4.1: 1 of 1,613,884 alleles (0.000062%); highest among the groups gnomAD compares: South Asian, 0.0011%; no homozygotes.

Submission:

Sema4
Classification: Uncertain significance for Hereditary cancer-predisposing syndrome. Last evaluated: 2021-06-14. Review status: criteria provided, single submitter. Criteria: Sema4 Curation Guidelines. Collection method: curation. Allele origin: germline.
Comment: The NF1 c.7961C>T (p.P2654L) variant has not been reported in literature to our knowledge. This variant was observed in 1/30616 chromosomes in the South Asian population, according to the Genome Aggregation Database (PMID: 32461654). This variant has not been reported in ClinVar. In silico tools suggest the impact of the variant on protein function is benign, though these predictions have not been confirmed by functional studies. The overall evidence is insufficient to meet ACMG/AMP criteria for classifying it as benign or pathogenic. In summary, the clinical significance of this variant is currently uncertain.